The following is an entry in ClinVar:

NM_001197104.2(KMT2A):c.10133T>C (p.Ile3378Thr)

Gene: KMT2A (lysine methyltransferase 2A; plus strand). Cytogenetic location: 11q23.3.
Variant type: single nucleotide variant.
Coding change: c.10133T>C on transcript NM_001197104.2 (MANE Select); coding-DNA position 10133, T replaced by C.
Protein change: p.Ile3378Thr; replaces isoleucine 3378 with threonine.
Molecular consequence: missense variant.
Genome position (GRCh38, 1-based): chr11:118,506,025, T>C. VCF-style: chr11-118506025-T-C. GRCh37 (hg19) VCF-style: chr11-118376740-T-C.
Other names: c.10124T>C, p.Ile3375Thr (NM_005933.4); short protein forms I3378T, I3375T.
Identifiers: ClinVar variation 1484780 (VCV001484780.8), dbSNP rs782761669, ClinGen allele CA6304691.

ClinVar aggregate classification (germline): Uncertain significance (1 of 4 stars; one submission).

Allele frequency attached by ClinVar (database versions not stated): gnomAD exomes 0.00006; TOPMed 0.00006; gnomAD 0.00010 and 0.00011.
gnomAD v4.1: 162 of 1,614,082 alleles (0.01%); highest among the groups gnomAD compares: Non-Finnish European, 0.013%; no homozygotes.

Submission:

Labcorp Genetics (formerly Invitae), Labcorp
Classification: Uncertain significance. Last evaluated: 2025-11-17. Review status: criteria provided, single submitter. Criteria: Invitae Variant Classification Sherloc (09022015). Collection method: clinical testing. Allele origin: germline.
Comment: This sequence change replaces isoleucine, which is neutral and non-polar, with threonine, which is neutral and polar, at codon 3378 of the KMT2A protein (p.Ile3378Thr). This variant is present in population databases (rs782761669, gnomAD 0.01%). This variant has not been reported in the literature in individuals affected with KMT2A-related conditions. ClinVar contains an entry for this variant (Variation ID: 1484780). Invitae Evidence Modeling of protein sequence and biophysical properties (such as structural, functional, and spatial information, amino acid conservation, physicochemical variation, residue mobility, and thermodynamic stability) indicates that this missense variant is not expected to disrupt KMT2A protein function with a negative predictive value of 95%. In summary, the available evidence is currently insufficient to determine the role of this variant in disease. Therefore, it has been classified as a Variant of Uncertain Significance.